The following is an entry in ClinVar:

ClinVar aggregate classification (germline): Uncertain significance (1 of 4 stars; one submission).

Conditions:
Epidermolysis bullosa simplex with nail dystrophy (EBS5D). Identifiers: MedGen C4225309, MONDO:0014661, OMIM 616487.
Epidermolysis bullosa simplex, Ogna type (EBS5A). Also called: EPIDERMOLYSIS BULLOSA SIMPLEX 5A, OGNA TYPE; Pidermolysis bullosa simplex 5A, Ogna type. Identifiers: Orphanet 79401, MedGen C0432317, MONDO:0007555, OMIM 131950.
Autosomal recessive limb-girdle muscular dystrophy type 2Q (LGMDR17). Also called: MUSCULAR DYSTROPHY, LIMB-GIRDLE, AUTOSOMAL RECESSIVE 17. Identifiers: Orphanet 254361, MedGen C3150989, MONDO:0013390, OMIM 613723.
Epidermolysis bullosa simplex 5B, with muscular dystrophy (EBS5B). Also called: EPIDERMOLYSIS BULLOSA SIMPLEX AND LIMB-GIRDLE MUSCULAR DYSTROPHY; Epidermolysis bullosa simplex with muscular dystrophy. Identifiers: Orphanet 257, MedGen C2931072, MONDO:0009181, OMIM 226670.
Epidermolysis bullosa simplex 5C, with pyloric atresia (EBS5C). Also called: PLEC-Related Epidermolysis Bullosa with Pyloric Atresia; Epidermolysis bullosa simplex with pyloric atresia; PLEC1-Related Epidermolysis Bullosa with Pyloric Atresia. Identifiers: Orphanet 158684, MedGen C2677349, MONDO:0012807, OMIM 612138.

Submission:

Labcorp Genetics (formerly Invitae), Labcorp
Classification: Uncertain significance for Autosomal recessive limb-girdle muscular dystrophy type 2Q; Epidermolysis bullosa simplex, Ogna type; Epidermolysis bullosa simplex with nail dystrophy; Epidermolysis bullosa simplex 5C, with pyloric atresia; Epidermolysis bullosa simplex 5B, with muscular dystrophy. Last evaluated: 2026-01-06. Review status: criteria provided, single submitter. Criteria: Invitae Variant Classification Sherloc (09022015). Collection method: clinical testing. Allele origin: germline.
Comment: This sequence change replaces aspartic acid, which is acidic and polar, with asparagine, which is neutral and polar, at codon 233 of the PLEC protein (p.Asp233Asn). This variant is present in population databases (rs782145745, gnomAD 0.009%). This variant has not been reported in the literature in individuals affected with PLEC-related conditions. Invitae Evidence Modeling of protein sequence and biophysical properties (such as structural, functional, and spatial information, amino acid conservation, physicochemical variation, residue mobility, and thermodynamic stability) indicates that this missense variant is expected to disrupt PLEC protein function with a positive predictive value of 80%. In summary, the available evidence is currently insufficient to determine the role of this variant in disease. Therefore, it has been classified as a Variant of Uncertain Significance.

NM_201384.3(PLEC):c.616G>A (p.Asp206Asn)

Gene: PLEC (plectin; minus strand). Cytogenetic location: 8q24.3.
Variant type: single nucleotide variant.
Coding change: c.616G>A on transcript NM_201384.3 (MANE Select); coding-DNA position 616, G replaced by A.
Protein change: p.Asp206Asn; replaces aspartic acid 206 with asparagine.
Molecular consequence: missense variant.
Genome position (GRCh38, 1-based): chr8:143,935,300, C>T on the plus strand (G>A on the coding strand, the complement: PLEC is on the minus strand). VCF-style: chr8-143935300-C-T. GRCh37 (hg19) VCF-style: chr8-145009468-C-T.
Other names: c.697G>A, p.Asp233Asn (NM_000445.5, NM_001410941.1); c.574G>A, p.Asp192Asn (NM_201378.4); c.550G>A, p.Asp184Asn (NM_201379.3); c.1027G>A, p.Asp343Asn (NM_201380.4); c.520G>A, p.Asp174Asn (NM_201381.3); c.616G>A, p.Asp206Asn (NM_201382.4); c.628G>A, p.Asp210Asn (NM_201383.3); short protein forms D184N, D192N, D233N, D174N, D206N, D210N, D343N.
Identifiers: ClinVar variation 4787905 (VCV004787905.1).